The following is an entry in ClinVar:

NM_001267550.2(TTN):c.101284G>A (p.Val33762Ile)

Genes: TTN (titin; minus strand), TTN-AS1 (TTN antisense RNA 1; plus strand). Cytogenetic location: 2q31.2.
Variant type: single nucleotide variant.
Coding change: c.101284G>A on transcript NM_001267550.2 (MANE Select); coding-DNA position 101284, G replaced by A.
Protein change: p.Val33762Ile; replaces valine 33762 with isoleucine.
Molecular consequence: missense variant.
Genome position (GRCh38, 1-based): chr2:178,535,331, C>T on the plus strand (G>A on the coding strand, the complement: TTN is on the minus strand). VCF-style: chr2-178535331-C-T. GRCh37 (hg19) VCF-style: chr2-179400058-C-T.
Other names: c.96361G>A, p.Val32121Ile (NM_001256850.1); c.74089G>A, p.Val24697Ile (NM_003319.4); c.93580G>A, p.Val31194Ile (NM_133378.4); c.74464G>A, p.Val24822Ile (NM_133432.3); c.74665G>A, p.Val24889Ile (NM_133437.4); short protein forms V24697I, V24889I, V31194I, V33762I, V24822I, V32121I.
Identifiers: ClinVar variation 657049 (VCV000657049.9), dbSNP rs1385559568, ClinGen allele CA349421052.

ClinVar aggregate classification (germline): Uncertain significance (1 of 4 stars; one submission).

Conditions:
Dilated cardiomyopathy 1G (CMD1G). Identifiers: Orphanet 154, MedGen C1858763, MONDO:0011400, OMIM 604145.
Autosomal recessive limb-girdle muscular dystrophy type 2J (LGMDR10). Also called: Limb-girdle muscular dystrophy, type 2J; MUSCULAR DYSTROPHY, LIMB-GIRDLE, AUTOSOMAL RECESSIVE 10. Identifiers: Orphanet 140922, MedGen C1837342, MONDO:0012127, OMIM 608807.

Allele frequency attached by ClinVar (database versions not stated): gnomAD 0.00001; TOPMed 0.00001.
gnomAD v4.1: 4 of 1,613,794 alleles (0.00025%); highest among the groups gnomAD compares: Non-Finnish European, 0.00034%; no homozygotes.

Submission:

Labcorp Genetics (formerly Invitae), Labcorp
Classification: Uncertain significance for Dilated cardiomyopathy 1G; Autosomal recessive limb-girdle muscular dystrophy type 2J. Last evaluated: 2024-10-07. Review status: criteria provided, single submitter. Criteria: Invitae Variant Classification Sherloc (09022015). Collection method: clinical testing. Allele origin: germline.
Comment: This sequence change replaces valine, which is neutral and non-polar, with isoleucine, which is neutral and non-polar, at codon 33762 of the TTN protein (p.Val33762Ile). This variant is not present in population databases (gnomAD no frequency). This variant has not been reported in the literature in individuals affected with TTN-related conditions. ClinVar contains an entry for this variant (Variation ID: 657049). An algorithm developed to predict the effect of missense changes on protein structure and function outputs the following: PolyPhen-2: "Not Available". The isoleucine amino acid residue is found in multiple mammalian species, which suggests that this missense change does not adversely affect protein function. This variant is located in the M band of TTN (PMID: 25589632). Non-truncating variants in this region may be relevant for neuromuscular disorders, but have not been definitively shown to cause cardiomyopathy (PMID: 23975875). In summary, the available evidence is currently insufficient to determine the role of this variant in disease. Therefore, it has been classified as a Variant of Uncertain Significance.

Literature cited by the submitters: PubMed 25589632; PubMed 23975875.